The following is an entry in ClinVar:

NM_006440.5(TXNRD2):c.656G>C (p.Gly219Ala)

Gene: TXNRD2 (thioredoxin reductase 2; minus strand). Cytogenetic location: 22q11.21.
Variant type: single nucleotide variant.
Coding change: c.656G>C on transcript NM_006440.5 (MANE Select); coding-DNA position 656, G replaced by C.
Protein change: p.Gly219Ala; replaces glycine 219 with alanine.
Molecular consequence: missense variant. On other transcripts: non-coding transcript variant (1).
Genome position (GRCh38, 1-based): chr22:19,911,383, C>G on the plus strand (G>C on the coding strand, the complement: TXNRD2 is on the minus strand). VCF-style: chr22-19911383-C-G. GRCh37 (hg19) VCF-style: chr22-19898906-C-G.
Other names: c.656G>C, p.Gly219Ala (NM_001282512.3); c.653G>C, p.Gly218Ala (NM_001352300.2); c.566G>C, p.Gly189Ala (NM_001352301.2); c.368G>C, p.Gly123Ala (NM_001352302.2); c.560G>C, p.Gly187Ala (NM_001352303.2); short protein forms G219A, G123A, G187A, G218A, G189A.
Identifiers: ClinVar variation 240655 (VCV000240655.22), dbSNP rs199510610, ClinGen allele CA10104079.

ClinVar aggregate classification (germline): Conflicting classifications of pathogenicity. Review status: criteria provided, conflicting classifications (1 of 4 stars). 4 submissions from 4 submitters: Uncertain significance (1); Likely benign (3). Last evaluated 2026-01-14.

Conditions:
Glucocorticoid deficiency 5. Identifiers: MedGen C4540522, MONDO:0040502, OMIM 617825.
Cardiovascular phenotype. Identifiers: MedGen CN230736.
Primary dilated cardiomyopathy (DCM). Also called: Dilated Cardiomyopathy. Identifiers: Orphanet 217604, MedGen C0007193, MeSH D002311, MONDO:0005021, HP:0001644. Inheritance: Various modes of inheritance.

Allele frequency attached by ClinVar (database versions not stated): ESP Exome Variant Server 0.00016; gnomAD exomes 0.00016 and 0.00032; ExAC 0.00022; 1000 Genomes Project 0.00040; gnomAD 0.00042; 1000 Genomes Project 30x 0.00047; TOPMed 0.00066.
gnomAD v4.1: 332 of 1,613,864 alleles (0.021%); highest among the groups gnomAD compares: Admixed American, 0.16%; 3 homozygotes.

Submissions (4):

Labcorp Genetics (formerly Invitae), Labcorp
Classification: Likely benign for Primary dilated cardiomyopathy. Last evaluated: 2026-01-14. Review status: criteria provided, single submitter. Criteria: Invitae Variant Classification Sherloc (09022015). Collection method: clinical testing. Allele origin: germline.

Ambry Genetics
Classification: Likely benign for Cardiovascular phenotype. Last evaluated: 2025-07-08. Review status: criteria provided, single submitter. Criteria: Ambry Variant Classification Scheme 2023. Collection method: clinical testing. Allele origin: germline.

Clinical Genomics Laboratory, Washington University in St. Louis
Classification: Uncertain significance for Glucocorticoid deficiency 5. Last evaluated: 2025-01-24. Review status: criteria provided, single submitter. Criteria: ACMG Guidelines, 2015. Collection method: clinical testing. Allele origin: germline.
Comment: The TXNRD2 c.656G>C (p.Gly219Ala), to our knowledge, has not been reported in the medical literature. This variant is observed on 85/280,948 alleles in the general population (gnomAD v.2.1.1). This variant has been reported in the ClinVar database as a germline likely benign variant by two submitters and germline variant of uncertain significance by one submitter (ClinVar ID: 240655). Computational predictors are uncertain as to the impact of this variant on TXNRD2 function. Due to limited information, the clinical significance of this variant is uncertain.

GeneDx
Classification: Likely benign. Last evaluated: 2021-05-05. Review status: criteria provided, single submitter. Criteria: GeneDx Variant Classification Process June 2021. Collection method: clinical testing. Allele origin: germline. Affected: yes.